The following is an entry in ClinVar:

ClinVar aggregate classification (germline): Uncertain significance (1 of 4 stars; one submission).

Submission:

Labcorp Genetics (formerly Invitae), Labcorp
Classification: Uncertain significance. Last evaluated: 2022-03-19. Review status: criteria provided, single submitter. Criteria: Invitae Variant Classification Sherloc (09022015). Collection method: clinical testing. Allele origin: germline.
Comment: In summary, the available evidence is currently insufficient to determine the role of this variant in disease. Therefore, it has been classified as a Variant of Uncertain Significance. This sequence change replaces alanine, which is neutral and non-polar, with aspartic acid, which is acidic and polar, at codon 435 of the GEN1 protein (p.Ala435Asp). This variant is not present in population databases (gnomAD no frequency). This variant has not been reported in the literature in individuals affected with GEN1-related conditions. Algorithms developed to predict the effect of missense changes on protein structure and function output the following: SIFT: "Tolerated"; PolyPhen-2: "Benign"; Align-GVGD: "Class C0". The aspartic acid amino acid residue is found in multiple mammalian species, which suggests that this missense change does not adversely affect protein function.

NM_001130009.3(GEN1):c.1304C>A (p.Ala435Asp)

Gene: GEN1 (GEN1 structure-specific endonuclease; plus strand). Cytogenetic location: 2p24.2.
Variant type: single nucleotide variant.
Coding change: c.1304C>A on transcript NM_001130009.3 (MANE Select); coding-DNA position 1304, C replaced by A.
Protein change: p.Ala435Asp; replaces alanine 435 with aspartic acid.
Molecular consequence: missense variant.
Genome position (GRCh38, 1-based): chr2:17,780,017, C>A. VCF-style: chr2-17780017-C-A. GRCh37 (hg19) VCF-style: chr2-17961284-C-A.
Other names: c.1304C>A, p.Ala435Asp (NM_182625.5); short protein forms A435D.
Identifiers: ClinVar variation 2106791 (VCV002106791.4), dbSNP rs1672750079, ClinGen allele CA345923713.